The following is an entry in ClinVar:

ClinVar aggregate classification (germline): Uncertain significance (1 of 4 stars; one submission).

gnomAD v4.1: 7 of 1,614,230 alleles (0.00043%); highest among the groups gnomAD compares: Non-Finnish European, 0.00059%; no homozygotes.

Submission:

Labcorp Genetics (formerly Invitae), Labcorp
Classification: Uncertain significance. Last evaluated: 2025-12-15. Review status: criteria provided, single submitter. Criteria: Invitae Variant Classification Sherloc (09022015). Collection method: clinical testing. Allele origin: germline.
Comment: This sequence change replaces lysine, which is basic and polar, with arginine, which is basic and polar, at codon 2739 of the KMT2A protein (p.Lys2739Arg). This variant is not present in population databases (gnomAD no frequency). This variant has not been reported in the literature in individuals affected with KMT2A-related conditions. Invitae Evidence Modeling of protein sequence and biophysical properties (such as structural, functional, and spatial information, amino acid conservation, physicochemical variation, residue mobility, and thermodynamic stability) indicates that this missense variant is not expected to disrupt KMT2A protein function with a negative predictive value of 95%. In summary, the available evidence is currently insufficient to determine the role of this variant in disease. Therefore, it has been classified as a Variant of Uncertain Significance.

NM_001197104.2(KMT2A):c.8216A>G (p.Lys2739Arg)

Gene: KMT2A (lysine methyltransferase 2A; plus strand). Cytogenetic location: 11q23.3.
Variant type: single nucleotide variant.
Coding change: c.8216A>G on transcript NM_001197104.2 (MANE Select); coding-DNA position 8216, A replaced by G.
Protein change: p.Lys2739Arg; replaces lysine 2739 with arginine.
Molecular consequence: missense variant.
Genome position (GRCh38, 1-based): chr11:118,504,108, A>G. VCF-style: chr11-118504108-A-G. GRCh37 (hg19) VCF-style: chr11-118374823-A-G.
Other names: c.8306A>G, p.Lys2769Arg (NM_001412597.1); c.8207A>G, p.Lys2736Arg (NM_005933.4); short protein forms K2736R, K2769R, K2739R.
Identifiers: ClinVar variation 4777527 (VCV004777527.1).